The following is an entry in ClinVar:

NM_000138.5(FBN1):c.3271G>T (p.Gly1091Trp)

Gene: FBN1 (fibrillin 1; minus strand). Cytogenetic location: 15q21.1.
Variant type: single nucleotide variant.
Coding change: c.3271G>T on transcript NM_000138.5 (MANE Select); coding-DNA position 3271, G replaced by T.
Protein change: p.Gly1091Trp; replaces glycine 1091 with tryptophan.
Molecular consequence: missense variant.
Genome position (GRCh38, 1-based): chr15:48,488,179, C>A on the plus strand (G>T on the coding strand, the complement: FBN1 is on the minus strand). VCF-style: chr15-48488179-C-A. GRCh37 (hg19) VCF-style: chr15-48780376-C-A.
Other names: short protein forms G1091W.
Identifiers: ClinVar variation 1500765 (VCV001500765.8), dbSNP rs2141294717, ClinGen allele CA392327348.

ClinVar aggregate classification (germline): Likely pathogenic (1 of 4 stars; one submission).

Conditions:
Marfan syndrome (MFS). Also called: MARFAN SYNDROME, TYPE I; Marfan syndrome type 1; Marfan's syndrome; Marfan syndrome, classic; FBN1-Related Marfan Syndrome. Identifiers: Orphanet 284963, Orphanet 558, MedGen C0024796, MONDO:0007947, OMIM 154700.
Familial thoracic aortic aneurysm and aortic dissection (TAAD). Also called: Thoracic aortic aneurysms and dissections. Identifiers: Orphanet 91387, MedGen C4707243, MONDO:0019625.

Submission:

Labcorp Genetics (formerly Invitae), Labcorp
Classification: Likely pathogenic for Marfan syndrome; Familial thoracic aortic aneurysm and aortic dissection. Last evaluated: 2020-11-24. Review status: criteria provided, single submitter. Criteria: Invitae Variant Classification Sherloc (09022015). Collection method: clinical testing. Allele origin: germline.
Comment: In summary, the currently available evidence indicates that the variant is pathogenic, but additional data are needed to prove that conclusively. Therefore, this variant has been classified as Likely Pathogenic. This variant disrupts the p.Gly1091 amino acid residue in FBN1. Other variant(s) that disrupt this residue have been observed in individuals with FBN1-related conditions (PMID: 27234404), which suggests that this may be a clinically significant amino acid residue. Advanced modeling of protein sequence and biophysical properties (such as structural, functional, and spatial information, amino acid conservation, physicochemical variation, residue mobility, and thermodynamic stability) performed at Invitae indicates that this missense variant is expected to disrupt FBN1 protein function. This variant has been observed in individual(s) with clinical features of Marfan syndrome (Invitae). This variant is not present in population databases (ExAC no frequency). This sequence change replaces glycine with tryptophan at codon 1091 of the FBN1 protein (p.Gly1091Trp). The glycine residue is highly conserved and there is a large physicochemical difference between glycine and tryptophan.

Literature cited by the submitters: PubMed 27234404.